The following is an entry in ClinVar:

NM_016580.4(PCDH12):c.2188G>A (p.Gly730Arg)

Genes: PCDH12 (protocadherin 12; minus strand), RNF14 (ring finger protein 14; plus strand). Cytogenetic location: 5q31.3.
Variant type: single nucleotide variant.
Coding change: c.2188G>A on transcript NM_016580.4 (MANE Select); coding-DNA position 2188, G replaced by A.
Protein change: p.Gly730Arg; replaces glycine 730 with arginine.
Molecular consequence: missense variant.
Genome position (GRCh38, 1-based): chr5:141,955,664, C>T on the plus strand (G>A on the coding strand, the complement: PCDH12 is on the minus strand). VCF-style: chr5-141955664-C-T. GRCh37 (hg19) VCF-style: chr5-141335229-C-T.
Other names: short protein forms G730R.
Identifiers: ClinVar variation 5019609 (VCV005019609.2).
Genomic context (GRCh38, chr5:141,955,664, plus strand): 5'-AGGCCCTGTTGTCCTTCTTTTCTGTCCGGCAGATGGACATGAACAAAGCCAGGATCAACC[C>T]GAAGATGCCCAACAGTACAGCCAGGCAGATCACCGTCAGCATCGACATGCTCAAGGCCCC-3'
Protein context (NP_057664.1, residues 720-740): ICLAVLLGIF[Gly730Arg]LILALFMSIC

ClinVar aggregate classification (germline): Uncertain significance (1 of 4 stars; one submission).

Conditions:
Diencephalic-mesencephalic junction dysplasia syndrome 1 (DMJDS1). Also called: Microcephaly with spastic quadriplegia. Identifiers: MedGen C4538630, MONDO:0009625, OMIM 251280.

gnomAD v4.1: 13 of 1,613,996 alleles (0.00081%); highest among the groups gnomAD compares: Non-Finnish European, 0.0011%; no homozygotes.

Submission:

Juno Genomics, Hangzhou Juno Genomics, Inc
Classification: Uncertain significance for Diencephalic-mesencephalic junction dysplasia syndrome 1. Review status: criteria provided, single submitter. Criteria: ACMG Guidelines, 2015. Collection method: clinical testing. Allele origin: germline.
Comment: Absent from controls (or at extremely low frequency if recessive) in Genome Aggregation Database.;Multiple lines of computational evidence suggest no impact on gene or gene product.